The following is an entry in ClinVar:

NM_002878.4(RAD51D):c.141C>G (p.Tyr47Ter)

Genes: RAD51D (RAD51 paralog D; minus strand), RAD51L3-RFFL (RAD51L3-RFFL readthrough; minus strand). Cytogenetic location: 17q12.
Variant type: single nucleotide variant.
Coding change: c.141C>G on transcript NM_002878.4 (MANE Select); coding-DNA position 141, C replaced by G.
Protein change: p.Tyr47Ter; replaces tyrosine 47 with a stop codon.
Molecular consequence: nonsense. On other transcripts: non-coding transcript variant (2).
Genome position (GRCh38, 1-based): chr17:35,119,114, G>C on the plus strand (C>G on the coding strand, the complement: RAD51D is on the minus strand). VCF-style: chr17-35119114-G-C. GRCh37 (hg19) VCF-style: chr17-33446133-G-C.
Other names: c.141C>G, p.Tyr47Ter (NM_001142571.2, NM_133629.3); short protein forms Y47*.
Identifiers: ClinVar variation 641610 (VCV000641610.9), dbSNP rs771077929, ClinGen allele CA399091747.

ClinVar aggregate classification (germline): Pathogenic. Review status: criteria provided, multiple submitters, no conflicts (2 of 4 stars). 4 submissions from 4 submitters: Pathogenic (3). 1 of the submissions does not count toward it. Last evaluated 2024-06-30.

Conditions:
Hereditary cancer-predisposing syndrome. Also called: Neoplastic Syndromes, Hereditary; Tumor predisposition; Hereditary neoplastic syndrome; Hereditary Cancer Syndrome. Identifiers: Orphanet 140162, MedGen C0027672, MeSH D009386, MONDO:0015356.
Breast-ovarian cancer, familial, susceptibility to, 4. Identifiers: Orphanet 145, MedGen C3280345, MONDO:0013669, OMIM 614291.

Submissions (4):

Labcorp Genetics (formerly Invitae), Labcorp
Classification: Pathogenic for Breast-ovarian cancer, familial, susceptibility to, 4. Last evaluated: 2024-06-30. Review status: criteria provided, single submitter. Criteria: Invitae Variant Classification Sherloc (09022015). Collection method: clinical testing. Allele origin: germline.
Comment: This sequence change creates a premature translational stop signal (p.Tyr47*) in the RAD51D gene. It is expected to result in an absent or disrupted protein product. Loss-of-function variants in RAD51D are known to be pathogenic (PMID: 21822267). This variant is not present in population databases (gnomAD no frequency). This variant has not been reported in the literature in individuals affected with RAD51D-related conditions. ClinVar contains an entry for this variant (Variation ID: 641610). RNA analysis performed to evaluate the impact of this premature translational stop signal on mRNA splicing indicates it does not significantly alter splicing (Invitae). For these reasons, this variant has been classified as Pathogenic.

Myriad Genetics, Inc.
Classification: Pathogenic for Breast-ovarian cancer, familial, susceptibility to, 4. Last evaluated: 2024-01-04. Review status: criteria provided, single submitter. Criteria: Myriad Autosomal Dominant, Autosomal Recessive and X-Linked Classification Criteria (2023). Collection method: clinical testing. Allele origin: unknown.
Comment: This variant is considered pathogenic. This variant creates a termination codon and is predicted to result in premature protein truncation.

Color Diagnostics, LLC DBA Color Health
Classification: Pathogenic for Hereditary cancer-predisposing syndrome. Last evaluated: 2023-03-09. Review status: criteria provided, single submitter. Criteria: ACMG Guidelines, 2015. Collection method: clinical testing. Allele origin: germline.
Comment: This variant changes 1 nucleotide in exon 2 of the RAD51D gene, creating a premature translation stop signal. This variant is expected to result in an absent or non-functional protein product. To our knowledge, functional studies have not been reported for this variant. This variant has been reported in an individual affected with ovarian cancer (PMID: 24240112). This variant has not been identified in the general population by the Genome Aggregation Database (gnomAD). Loss of RAD51D function is a known mechanism of disease. Based on the available evidence, this variant is classified as Pathogenic.

Department of Pathology and Laboratory Medicine, Sinai Health System
Classification: Likely pathogenic for Breast-ovarian cancer, familial, susceptibility to, 4. Review status: no assertion criteria provided. Collection method: clinical testing. Allele origin: unknown. Affected: yes. Study: The Canadian Open Genetics Repository (COGR). Not counted in ClinVar's aggregate classification.
Comment: The RAD51D p.Tyr47X variant was not identified in the literature nor was it identified in the dbSNP, ClinVar, Cosmic, or the Zhejiang University Database. The variant was not identified in the following control databases: the 1000 Genomes Project, the NHLBI GO Exome Sequencing Project, the Exome Aggregation Consortium (August 8th 2016), or the Genome Aggregation Database (Feb 27, 2017). The c.141C>G variant leads to a premature stop codon at position 47 which is predicted to lead to a truncated or absent protein and loss of function. Loss of function variants of the RAD51D gene are an established mechanism of disease in the RAD51D associated cancer and is the type of variant expected to cause the disorder. In summary, based on the above information the clinical significance of this variant cannot be determined with certainty at this time although we would lean towards a more pathogenic role for this variant. This variant is classified as likely pathogenic.

Literature cited by the submitters: PubMed 21822267 (cited by Labcorp Genetics (formerly Invitae), Labcorp); PubMed 24240112 (cited by Color Diagnostics, LLC DBA Color Health).